The following is an entry in ClinVar:

ClinVar aggregate classification (germline): Uncertain significance. Review status: criteria provided, multiple submitters, no conflicts (2 of 4 stars). 2 submissions from 2 submitters: Uncertain significance (2). Last evaluated 2026-01-24.

Allele frequency attached by ClinVar (database versions not stated): gnomAD 0.00011; 1000 Genomes Project 30x 0.00047; gnomAD exomes 0.00002; TOPMed 0.00007.
gnomAD v4.1: 38 of 980,082 alleles (0.0039%); highest among the groups gnomAD compares: East Asian, 0.2%; no homozygotes.

Submissions (2):

Labcorp Genetics (formerly Invitae), Labcorp
Classification: Uncertain significance. Last evaluated: 2026-01-24. Review status: criteria provided, single submitter. Criteria: Invitae Variant Classification Sherloc (09022015). Collection method: clinical testing. Allele origin: germline.
Comment: This sequence change replaces leucine, which is neutral and non-polar, with proline, which is neutral and non-polar, at codon 1746 of the CASZ1 protein (p.Leu1746Pro). The frequency data for this variant in the population databases is considered unreliable, as metrics indicate poor data quality at this position in the gnomAD database. This variant has not been reported in the literature in individuals affected with CASZ1-related conditions. ClinVar contains an entry for this variant (Variation ID: 2386871). An algorithm developed to predict the effect of missense changes on protein structure and function outputs the following: PolyPhen-2: "Not Available". The proline amino acid residue is found in multiple mammalian species, which suggests that this missense change does not adversely affect protein function. In summary, the available evidence is currently insufficient to determine the role of this variant in disease. Therefore, it has been classified as a Variant of Uncertain Significance.

Ambry Genetics
Classification: Uncertain significance. Last evaluated: 2025-05-30. Review status: criteria provided, single submitter. Criteria: Ambry Variant Classification Scheme 2023. Collection method: clinical testing. Allele origin: germline.

NM_001079843.3(CASZ1):c.5237T>C (p.Leu1746Pro)

Gene: CASZ1 (castor zinc finger 1; minus strand). Cytogenetic location: 1p36.22.
Variant type: single nucleotide variant.
Coding change: c.5237T>C on transcript NM_001079843.3 (MANE Select); coding-DNA position 5237, T replaced by C.
Protein change: p.Leu1746Pro; replaces leucine 1746 with proline.
Molecular consequence: missense variant.
Genome position (GRCh38, 1-based): chr1:10,638,985, A>G on the plus strand (T>C on the coding strand, the complement: CASZ1 is on the minus strand). VCF-style: chr1-10638985-A-G. GRCh37 (hg19) VCF-style: chr1-10699042-A-G.
Other names: short protein forms L1746P.
Identifiers: ClinVar variation 2386871 (VCV002386871.5), dbSNP rs923356880, ClinGen allele CA17862690.